The following is an entry in ClinVar:

ClinVar aggregate classification (germline): Conflicting classifications of pathogenicity. Review status: criteria provided, conflicting classifications (1 of 4 stars). 3 submissions from 3 submitters: Uncertain significance (2); Benign (1). Last evaluated 2026-05-19.

Conditions:
Multiple congenital anomalies-hypotonia-seizures syndrome 2 (MCAHS2). Also called: EPILEPTIC ENCEPHALOPATHY, EARLY INFANTILE, 20; GLYCOSYLPHOSPHATIDYLINOSITOL BIOSYNTHESIS DEFECT 4. Identifiers: Orphanet 300496, MedGen C3275508, MONDO:0010466, OMIM 300868.
Inborn genetic diseases. Identifiers: MedGen C0950123, MeSH D030342.

Allele frequency attached by ClinVar (database versions not stated): gnomAD 0.00004; gnomAD exomes 0.00001; ExAC 0.00001; ESP Exome Variant Server 0.00019; TOPMed 0.00006.
gnomAD v4.1: 11 of 1,199,931 alleles (0.00092%); highest among the groups gnomAD compares: Non-Finnish European, 0.0012%; no homozygotes.

Submissions (3):

Women's Health and Genetics/Laboratory Corporation of America, LabCorp
Classification: Uncertain significance. Last evaluated: 2026-05-19. Review status: criteria provided, single submitter. Criteria: LabCorp Variant Classification Summary - May 2015. Collection method: clinical testing. Allele origin: germline.
Comment: Variant summary: PIGA c.877A>G (p.Lys293Glu) results in a conservative amino acid change in the encoded protein sequence. Algorithms developed to predict the effect of missense changes on protein structure and function are either unavailable or do not agree on the potential impact of this missense change. The variant allele was found at a frequency of 5.8e-06 in 173079 control chromosomes. The available data on variant occurrences in the general population are insufficient to allow any conclusion about variant significance. To our knowledge, no occurrence of c.877A>G in individuals affected with PIGA-related conditions and no experimental evidence demonstrating its impact on protein function have been reported. ClinVar contains an entry for this variant (Variation ID: 471953). Based on the evidence outlined above, the variant was classified as uncertain significance.

Labcorp Genetics (formerly Invitae), Labcorp
Classification: Benign for Multiple congenital anomalies-hypotonia-seizures syndrome 2. Last evaluated: 2024-05-21. Review status: criteria provided, single submitter. Criteria: Invitae Variant Classification Sherloc (09022015). Collection method: clinical testing. Allele origin: germline.

Ambry Genetics
Classification: Uncertain significance for Inborn genetic diseases. Last evaluated: 2023-05-22. Review status: criteria provided, single submitter. Criteria: Ambry Variant Classification Scheme 2023. Collection method: clinical testing. Allele origin: germline.

NM_002641.4(PIGA):c.877A>G (p.Lys293Glu)

Gene: PIGA (phosphatidylinositol glycan anchor biosynthesis class A; minus strand). Cytogenetic location: Xp22.2.
Variant type: single nucleotide variant.
Coding change: c.877A>G on transcript NM_002641.4 (MANE Select); coding-DNA position 877, A replaced by G.
Protein change: p.Lys293Glu; replaces lysine 293 with glutamic acid.
Molecular consequence: missense variant. On other transcripts: non-coding transcript variant (2).
Genome position (GRCh38, 1-based): chrX:15,325,124, T>C on the plus strand (A>G on the coding strand, the complement: PIGA is on the minus strand). VCF-style: chrX-15325124-T-C. GRCh37 (hg19) VCF-style: chrX-15343246-T-C.
Other names: c.175A>G, p.Lys59Glu (NM_020473.3); short protein forms K293E, K59E.
Identifiers: ClinVar variation 471953 (VCV000471953.14), dbSNP rs202161781, ClinGen allele CA10354105.
Genomic context (GRCh38, chrX:15,325,124, plus strand): 5'-CTTCAGTAAGGGAGGTATTCAGAAAAATATGTCCTTGAACTAAGACATTTCTAACATCCT[T>C]GTGTTCTAAAGCTCCCAAAAGACGCACCCTGATTTTTTAAATGAGAGGGGAAGAAAGGAG-3'
Protein context (NP_002632.1, residues 283-303): RVRLLGALEH[Lys293Glu]DVRNVLVQGH